The following is an entry in ClinVar:

ClinVar aggregate classification (germline): Uncertain significance (1 of 4 stars; one submission).

Submission:

Labcorp Genetics (formerly Invitae), Labcorp
Classification: Uncertain significance. Last evaluated: 2025-11-22. Review status: criteria provided, single submitter. Criteria: Invitae Variant Classification Sherloc (09022015). Collection method: clinical testing. Allele origin: germline.
Comment: This sequence change replaces proline, which is neutral and non-polar, with serine, which is neutral and polar, at codon 892 of the COL2A1 protein (p.Pro892Ser). This variant is not present in population databases (gnomAD no frequency). This variant has not been reported in the literature in individuals affected with COL2A1-related conditions. ClinVar contains an entry for this variant (Variation ID: 2109379). Invitae Evidence Modeling of protein sequence and biophysical properties (such as structural, functional, and spatial information, amino acid conservation, physicochemical variation, residue mobility, and thermodynamic stability) indicates that this missense variant is not expected to disrupt COL2A1 protein function with a negative predictive value of 95%. In summary, the available evidence is currently insufficient to determine the role of this variant in disease. Therefore, it has been classified as a Variant of Uncertain Significance.

NM_001844.5(COL2A1):c.2674C>T (p.Pro892Ser)

Gene: COL2A1 (collagen type II alpha 1 chain; minus strand). Cytogenetic location: 12q13.11.
Variant type: single nucleotide variant.
Coding change: c.2674C>T on transcript NM_001844.5 (MANE Select); coding-DNA position 2674, C replaced by T.
Protein change: p.Pro892Ser; replaces proline 892 with serine.
Molecular consequence: missense variant.
Genome position (GRCh38, 1-based): chr12:47,980,014, G>A on the plus strand (C>T on the coding strand, the complement: COL2A1 is on the minus strand). VCF-style: chr12-47980014-G-A. GRCh37 (hg19) VCF-style: chr12-48373797-G-A.
Other names: c.2467C>T, p.Pro823Ser (NM_033150.3); short protein forms P823S, P892S.
Identifiers: ClinVar variation 2109379 (VCV002109379.4), dbSNP rs1938959269, ClinGen allele CA384544170.